The following is an entry in ClinVar:

NM_144631.6(ZNF513):c.788G>T (p.Arg263Leu)

Gene: ZNF513 (zinc finger protein 513; minus strand). Cytogenetic location: 2p23.3.
Variant type: single nucleotide variant.
Coding change: c.788G>T on transcript NM_144631.6 (MANE Select); coding-DNA position 788, G replaced by T.
Protein change: p.Arg263Leu; replaces arginine 263 with leucine.
Molecular consequence: missense variant.
Genome position (GRCh38, 1-based): chr2:27,378,478, C>A on the plus strand (G>T on the coding strand, the complement: ZNF513 is on the minus strand). VCF-style: chr2-27378478-C-A. GRCh37 (hg19) VCF-style: chr2-27601345-C-A.
Other names: c.602G>T, p.Arg201Leu (NM_001201459.2); c.788G>T (NM_144631.5); short protein forms R201L, R263L.
Identifiers: ClinVar variation 1055302 (VCV001055302.11), dbSNP rs368425599, ClinGen allele CA1577965.

ClinVar aggregate classification (germline): Uncertain significance. Review status: criteria provided, multiple submitters, no conflicts (2 of 4 stars). 3 submissions from 3 submitters: Uncertain significance (3). Last evaluated 2025-04-18.

Allele frequency attached by ClinVar (database versions not stated): ESP Exome Variant Server 0.00031.
gnomAD v4.1: 219 of 1,613,982 alleles (0.014%); highest among the groups gnomAD compares: Non-Finnish European, 0.018%; no homozygotes.

Submissions (3):

Labcorp Genetics (formerly Invitae), Labcorp
Classification: Uncertain significance. Last evaluated: 2025-04-18. Review status: criteria provided, single submitter. Criteria: Invitae Variant Classification Sherloc (09022015). Collection method: clinical testing. Allele origin: germline.
Comment: This sequence change replaces arginine, which is basic and polar, with leucine, which is neutral and non-polar, at codon 263 of the ZNF513 protein (p.Arg263Leu). This variant is present in population databases (rs368425599, gnomAD 0.02%). This variant has not been reported in the literature in individuals affected with ZNF513-related conditions. ClinVar contains an entry for this variant (Variation ID: 1055302). An algorithm developed to predict the effect of missense changes on protein structure and function (PolyPhen-2) suggests that this variant is likely to be tolerated. In summary, the available evidence is currently insufficient to determine the role of this variant in disease. Therefore, it has been classified as a Variant of Uncertain Significance.

Blueprint Genetics
Classification: Uncertain significance. Last evaluated: 2023-12-14. Review status: criteria provided, single submitter. Criteria: ACMG Guidelines, 2015. Collection method: clinical testing. Allele origin: germline.

Ambry Genetics
Classification: Uncertain significance. Last evaluated: 2021-08-04. Review status: criteria provided, single submitter. Criteria: Ambry Variant Classification Scheme 2023. Collection method: clinical testing. Allele origin: germline.